The following is an entry in ClinVar:

ClinVar aggregate classification (germline): Pathogenic (1 of 4 stars; one submission).

Submission:

GeneDx
Classification: Pathogenic. Last evaluated: 2015-07-29. Review status: criteria provided, single submitter. Criteria: GeneDx Variant Classification (06012015). Collection method: clinical testing. Allele origin: germline. Affected: yes.
Comment: c.1321delG: p.Asp441Ilefs*3 (D441Ifs*3) in exon 13 in the DDX3X gene (NM_001356.3). The normal sequence with the base that is deleted in braces is: CAAG{G}ATTC. The c.1321delG variant in the DDX3X gene causes a frameshift starting with codon Aspartic acid 441, changes this amino acid to an Isoleucine residue and creates a premature Stop codon at position 3 of the new reading frame, denoted p.Asp441Ilefs*3. This variant is predicted to cause loss of normal protein function either through protein truncation or nonsense-mediated mRNA decay. The c.1321delG variant was not observed in approximately 5,000 individuals of European and African American ancestry in the NHLBI Exome Sequencing Project, indicating it is not a common benign variant in these populations. We interpret c.1321delG as a pathogenic variant. This variant has been observed to be de novo with confirmed parentage.

NM_001356.5(DDX3X):c.1321del (p.Asp441fs)

Gene: DDX3X (DEAD-box helicase 3 X-linked; plus strand). Cytogenetic location: Xp11.4.
Variant type: Deletion.
Coding change: c.1321del on transcript NM_001356.5 (MANE Select); coding-DNA position 1321, one base deleted (G; older notation c.1321delG).
Protein change: p.Asp441fs; shifts the reading frame from aspartic acid 441.
Molecular consequence: frameshift variant. On other transcripts: non-coding transcript variant (1).
Genome position (GRCh38, 1-based): chrX:41,346,234, G deleted; the last of 2 consecutive G bases (chrX:41,346,233-41,346,234); deleting either gives the same sequence. VCF-style (leftmost placement, unchanged base first): chrX-41346232-AG-A. GRCh37 (hg19) VCF-style: chrX-41205485-AG-A.
Other names: c.1321del, p.Asp441fs (NM_001193416.3); c.1273del, p.Asp425fs (NM_001193417.3); c.763del, p.Asp255fs (NM_001363819.1); short protein forms D425fs, D441fs, D255fs.
Identifiers: ClinVar variation 207809 (VCV000207809.2), dbSNP rs796052227, ClinGen allele CA319632.
Genomic context (GRCh38, chrX:41,346,232, plus strand): 5'-AGTGCAAAGAGAACTAAGCCATGTTAGTGACAAAAACCTATAATTTTTCAACGACAGGCA[AG>A]GATTCACTGACCTTAGTGTTTGTGGAGACCAAAAAGGGTGCAGATTCTCTGGAGGATTTC-3'